The following is an entry in ClinVar:

ClinVar aggregate classification (germline): Uncertain significance. Review status: reviewed by expert panel (3 of 4 stars). 5 submissions from 5 submitters: Uncertain significance (1). 4 of the submissions do not count toward it. Last evaluated 2024-08-13.

Conditions:
von Willebrand disease type 2 (VWD2). Also called: VON WILLEBRAND DISEASE, TYPE 2A/IIE; VON WILLEBRAND DISEASE, TYPE 2CB; VON WILLEBRAND DISEASE, TYPE II; VWD, TYPE 2. Identifiers: Orphanet 166081, Orphanet 903, MedGen C1264040, MONDO:0013304, OMIM 613554.
Hereditary von Willebrand disease. Identifiers: Orphanet 903, MedGen C5703318, MONDO:0019565. Inheritance: Autosomal recessive or Autosomal dominant.
von Willebrand disease type 1 (VWD1). Also called: VON WILLEBRAND DISEASE, TYPE I; VWD, TYPE 1. Identifiers: Orphanet 166078, Orphanet 903, MedGen C1264039, MONDO:0008668, OMIM 193400. Inheritance: autosomal recessive or autosomal dominant.
Abnormality of coagulation. Identifiers: MedGen C1846821, HP:0001928.

Allele frequency attached by ClinVar (database versions not stated): TOPMed 0.00002; ExAC 0.00003; gnomAD 0.00003; gnomAD exomes 0.00004; 1000 Genomes Project 30x 0.00016; 1000 Genomes Project 0.00020.
gnomAD v4.1: 69 of 1,613,910 alleles (0.0043%); highest among the groups gnomAD compares: South Asian, 0.023%; no homozygotes.

Submissions (5):

ClinGen von Willebrand Disease Variant Curation Expert Panel, ClinGen
Classification: Uncertain significance for Hereditary von Willebrand disease. Last evaluated: 2024-08-13. Review status: reviewed by expert panel. Criteria: ClinGen VWD 2A B M Rules. Collection method: curation. Allele origin: germline.
Comment: NM_000552.5:c.6553C>T is a missense variant in VWF predicted to cause substitution of arginine by tryptophan at amino acid 2185. The Grpmax filtering allele frequency in gnomAD v4.1 is 0.0001538 (based on 21/91066 alleles in the South Asian population). This intermediate allele frequency is lower than the ClinGen VWD VCEP threshold (>0.01) for BS1 but higher than the threshold (<0.0001) for PM2_Supporting. At least 1 patient with this variant has been diagnosed with VWD Type 1 based on reduced quantity of VWF, with limited detail available (PMID: 28916584). A second patient was part of a VWD 2M cohort but has lab phenotypes more consistent with VWD Type 1, particularly reduced quantity of VWF:Ag and proportional decreases in VWF activity, collagen binding, and Factor VIII activity, with normal multimers (PMID: 34758185, PMID: 35747851). Although this variant has been observed in 1 patient with the p.Pro1266Leu and p.Val1279Ile variants also present (either in cis or in trans, PMID: 34758185), BP5 was not considered as neither variant has yet been classified by the ClinGen VWD VCEP. The computational predictor REVEL gives a score of 0.73, which is above the ClinGen VWD VCEP threshold of >0.644 and predicts a damaging effect on VWF function (PP3). In summary, this variant meets the criteria to be classified as a variant of unknown significance for hereditary von Willebrand disease based on the ACMG/AMP criteria applied, as specified by the ClinGen von Willebrand disease Variant Curation Expert Panel: PP3.

Quest Diagnostics Nichols Institute San Juan Capistrano
Classification: Uncertain significance. Last evaluated: 2023-12-19. Review status: criteria provided, single submitter. Criteria: Quest Diagnostics criteria. Collection method: clinical testing. Allele origin: unknown. Not counted in ClinVar's aggregate classification.
Comment: The VWF c.6553C>T (p.Arg2185Trp) variant has been reported in the published literature in individuals with Type 2M von Willebrand disease, one of whom also carried a pathogenic VWF gene conversion variant (PMIDs: 35747851 (2022), 34758185 (2022)). In addition, this variant has been identified in individuals with low VWF levels (PMID: 28916584 (2017)) and with thrombotic/platelet disorders (PMID: 31064749 (2019)). The frequency of this variant in the general population, 0.00013 (4/30602 chromosomes (Genome Aggregation Database)), is uninformative in the assessment of its pathogenicity. Analysis of this variant using bioinformatics tools for the prediction of the effect of amino acid changes on protein structure and function yielded predictions that this variant is damaging. Based on the available information, we are unable to determine the clinical significance of this variant.

Laboratory of Hematology, Radboud University Medical Center
Classification: Uncertain significance for von Willebrand disease type 2. Last evaluated: 2020-12-10. Review status: criteria provided, single submitter. Criteria: ACMG Guidelines, 2015. Collection method: research. Allele origin: germline. Affected: yes. Observed: 1 variant allele. Study: WIN study. Not counted in ClinVar's aggregate classification.

NIHR Bioresource Rare Diseases, University of Cambridge
Classification: Uncertain significance for Abnormality of coagulation. Last evaluated: 2019-02-01. Review status: criteria provided, single submitter. Criteria: ACMG Guidelines, 2015. Collection method: research. Allele origin: unknown. Affected: yes. Observed: 1 heterozygote. Study: ThromboGenomics. Not counted in ClinVar's aggregate classification.

Bioscientia Institut fuer Medizinische Diagnostik GmbH, Sonic Healthcare
Classification: Likely pathogenic for von Willebrand disease type 1. Last evaluated: 2019-11-29. Review status: no assertion criteria provided. Collection method: clinical testing. Allele origin: germline. Affected: yes. Not counted in ClinVar's aggregate classification.

Literature cited by the submitters: PubMed 28916584 (cited by Quest Diagnostics Nichols Institute San Juan Capistrano); PubMed 35747851 (cited by Quest Diagnostics Nichols Institute San Juan Capistrano); PubMed 34758185 (cited by Quest Diagnostics Nichols Institute San Juan Capistrano); PubMed 31064749 (cited by Quest Diagnostics Nichols Institute San Juan Capistrano and NIHR Bioresource Rare Diseases, University of Cambridge).

NM_000552.5(VWF):c.6553C>T (p.Arg2185Trp)

Gene: VWF (von Willebrand factor; minus strand). Cytogenetic location: 12p13.31.
Variant type: single nucleotide variant.
Coding change: c.6553C>T on transcript NM_000552.5 (MANE Select); coding-DNA position 6553, C replaced by T.
Protein change: p.Arg2185Trp; replaces arginine 2185 with tryptophan.
Molecular consequence: missense variant.
Genome position (GRCh38, 1-based): chr12:5,993,907, G>A on the plus strand (C>T on the coding strand, the complement: VWF is on the minus strand). VCF-style: chr12-5993907-G-A. GRCh37 (hg19) VCF-style: chr12-6103073-G-A.
Other names: p.R2185W; NM_000552.5(VWF):c.6553C>T; p.Arg2185Trp; short protein forms R2185W.
Identifiers: ClinVar variation 627354 (VCV000627354.10), dbSNP rs569962285, ClinGen allele CA6401966.
Genomic context (GRCh38, chr12:5,993,907, plus strand): 5'-AACTTGGAGACTCACCACAGAAATCAGGTGTCCTCCAGTCAACGCAGACCCCGTTGGTCC[G>A]ACAGAGGTGGGCATAAGAGGCGATCACCTCACACACTTGCTCCTGGTGGCAACTGTCCTG-3'
Protein context (NP_000543.3, residues 2175-2195): EVIASYAHLC[Arg2185Trp]TNGVCVDWRT